The following is an entry in ClinVar:

NM_014629.4(ARHGEF10):c.1919G>A (p.Arg640Gln)

Gene: ARHGEF10 (Rho guanine nucleotide exchange factor 10; plus strand). Cytogenetic location: 8p23.3.
Variant type: single nucleotide variant.
Coding change: c.1919G>A on transcript NM_014629.4 (MANE Select); coding-DNA position 1919, G replaced by A.
Protein change: p.Arg640Gln; replaces arginine 640 with glutamine.
Molecular consequence: missense variant.
Genome position (GRCh38, 1-based): chr8:1,905,668, G>A. VCF-style: chr8-1905668-G-A. GRCh37 (hg19) VCF-style: chr8-1853834-G-A.
Other names: c.1805G>A, p.Arg602Gln (NM_001308152.2); c.1919G>A, p.Arg640Gln (NM_001308153.3); short protein forms R602Q, R640Q, R664Q.
Identifiers: ClinVar variation 1964810 (VCV001964810.6), dbSNP rs754235070, ClinGen allele CA4600629.

ClinVar aggregate classification (germline): Uncertain significance. Review status: criteria provided, multiple submitters, no conflicts (2 of 4 stars). 2 submissions from 2 submitters: Uncertain significance (2). Last evaluated 2025-10-23.

Allele frequency attached by ClinVar (database versions not stated): TOPMed below 0.00001; gnomAD 0.00001; gnomAD exomes 0.00001; ExAC 0.00002.
gnomAD v4.1: 12 of 1,614,032 alleles (0.00074%); highest among the groups gnomAD compares: South Asian, 0.0022%; no homozygotes.

Submissions (2):

Ambry Genetics
Classification: Uncertain significance. Last evaluated: 2025-10-23. Review status: criteria provided, single submitter. Criteria: Ambry Variant Classification Scheme 2023. Collection method: clinical testing. Allele origin: germline.

Labcorp Genetics (formerly Invitae), Labcorp
Classification: Uncertain significance. Last evaluated: 2022-06-07. Review status: criteria provided, single submitter. Criteria: Invitae Variant Classification Sherloc (09022015). Collection method: clinical testing. Allele origin: germline.
Comment: This variant has not been reported in the literature in individuals affected with ARHGEF10-related conditions. This sequence change replaces arginine, which is basic and polar, with glutamine, which is neutral and polar, at codon 640 of the ARHGEF10 protein (p.Arg640Gln). This variant is present in population databases (rs754235070, gnomAD 0.004%). Algorithms developed to predict the effect of missense changes on protein structure and function are either unavailable or do not agree on the potential impact of this missense change (SIFT: "Tolerated"; PolyPhen-2: "Probably Damaging"; Align-GVGD: "Class C0"). In summary, the available evidence is currently insufficient to determine the role of this variant in disease. Therefore, it has been classified as a Variant of Uncertain Significance.